The following is an entry in ClinVar:

NM_004958.4(MTOR):c.5380G>A (p.Ala1794Thr)

Gene: MTOR (mechanistic target of rapamycin kinase; minus strand). Cytogenetic location: 1p36.22.
Variant type: single nucleotide variant.
Coding change: c.5380G>A on transcript NM_004958.4 (MANE Select); coding-DNA position 5380, G replaced by A.
Protein change: p.Ala1794Thr; replaces alanine 1794 with threonine.
Molecular consequence: missense variant.
Genome position (GRCh38, 1-based): chr1:11,130,762, C>T on the plus strand (G>A on the coding strand, the complement: MTOR is on the minus strand). VCF-style: chr1-11130762-C-T. GRCh37 (hg19) VCF-style: chr1-11190819-C-T.
Other names: c.5380G>A, p.Ala1794Thr (NM_001386500.1); c.4132G>A, p.Ala1378Thr (NM_001386501.1); short protein forms A1378T, A1794T.
Identifiers: ClinVar variation 1310128 (VCV001310128.3), dbSNP rs2100433281, ClinGen allele CA338398858.

ClinVar aggregate classification (germline): Likely pathogenic (1 of 4 stars; one submission).

Submission:

GeneDx
Classification: Likely pathogenic. Last evaluated: 2025-08-29. Review status: criteria provided, single submitter. Criteria: GeneDx Variant Classification Process June 2021. Collection method: clinical testing. Allele origin: germline. Affected: yes.
Comment: Not observed at significant frequency in large population cohorts (gnomAD); In silico analysis supports that this missense variant has a deleterious effect on protein structure/function; Has not been previously published as pathogenic or benign to our knowledge